The following is an entry in ClinVar:

ClinVar aggregate classification (germline): Uncertain significance (1 of 4 stars; one submission).

Conditions:
Joubert syndrome. Also called: CEREBELLOPARENCHYMAL DISORDER IV; JOUBERT-BOLTSHAUSER SYNDROME; Familial aplasia of the vermis. Identifiers: Orphanet 475, MedGen C5979921, MONDO:0018772.
Meckel-Gruber syndrome. Also called: DYSENCEPHALIA SPLANCHNOCYSTICA; GRUBER SYNDROME; Dysencephalia splachnocystica. Identifiers: Orphanet 564, MedGen C0265215, MONDO:0018921.

Submission:

Labcorp Genetics (formerly Invitae), Labcorp
Classification: Uncertain significance for Joubert syndrome; Meckel-Gruber syndrome. Last evaluated: 2022-03-11. Review status: criteria provided, single submitter. Criteria: Invitae Variant Classification Sherloc (09022015). Collection method: clinical testing. Allele origin: germline.
Comment: In summary, the available evidence is currently insufficient to determine the role of this variant in disease. Therefore, it has been classified as a Variant of Uncertain Significance. This variant has not been reported in the literature in individuals affected with RPGRIP1L-related conditions. A copy number gain of the genomic region encompassing the full coding sequence of the RPGRIP1L gene has been identified. The boundaries of this event are unknown as they extend beyond the assayed region for this gene and therefore may encompass additional genes. As the precise location of this event is unknown, it may be in tandem or it may be located elsewhere in the genome.

NC_000016.9:g.(?_53635988)_(54967785_?)dup

Genes: FTO (FTO alpha-ketoglutarate dependent dioxygenase; plus strand), IRX3 (iroquois homeobox 3; minus strand), IRX5 (iroquois homeobox 5; plus strand), RPGRIP1L (RPGRIP1 like; minus strand). Cytogenetic location: 16q12.2.
Variant type: Duplication.
Identifiers: ClinVar variation 2426119 (VCV002426119.6).